The following is an entry in ClinVar:

ClinVar aggregate classification (germline): Pathogenic/Likely pathogenic. Review status: criteria provided, multiple submitters, no conflicts (2 of 4 stars). 3 submissions from 3 submitters: Pathogenic (2); Likely pathogenic (1). Last evaluated 2024-01-09.

Conditions:
Mucopolysaccharidosis type 6 (MPS6). Also called: N-ACETYLGALACTOSAMINE-4-SULFATASE DEFICIENCY; MPS VI; MPS 6; Maroteaux Lamy syndrome; ARSB DEFICIENCY; ARYLSULFATASE B DEFICIENCY. Identifiers: Orphanet 583, MedGen C0026709, MONDO:0009661, OMIM 253200.

Allele frequency attached by ClinVar (database versions not stated): TOPMed below 0.00001.

Submissions (3):

Labcorp Genetics (formerly Invitae), Labcorp
Classification: Pathogenic for Mucopolysaccharidosis type 6. Last evaluated: 2024-01-09. Review status: criteria provided, single submitter. Criteria: Invitae Variant Classification Sherloc (09022015). Collection method: clinical testing. Allele origin: germline.
Comment: This sequence change creates a premature translational stop signal (p.Val80Trpfs*32) in the ARSB gene. It is expected to result in an absent or disrupted protein product. Loss-of-function variants in ARSB are known to be pathogenic (PMID: 17458871, 22133300). This variant is not present in population databases (gnomAD no frequency). This premature translational stop signal has been observed in individual(s) with mucopolysaccharidosis type VI (PMID: 8125475). ClinVar contains an entry for this variant (Variation ID: 559744). For these reasons, this variant has been classified as Pathogenic.

Baylor Genetics
Classification: Pathogenic for Mucopolysaccharidosis type 6. Last evaluated: 2022-05-31. Review status: criteria provided, single submitter. Criteria: ACMG Guidelines, 2015. Collection method: clinical testing. Allele origin: unknown.

Laboratory of Diagnosis and Therapy of Lysosomal Disorders, University of Padova
Classification: Likely pathogenic for Mucopolysaccharidosis type 6. Last evaluated: 2018-01-01. Review status: criteria provided, single submitter. Criteria: ACMG Guidelines, 2015. Collection method: curation. Allele origin: germline. Affected: yes.
Comment: Frameshift variant(PVS1); Absent from GnomAD (PM2)

Literature cited by the submitters: PubMed 17458871 (cited by Labcorp Genetics (formerly Invitae), Labcorp); PubMed 22133300 (cited by Labcorp Genetics (formerly Invitae), Labcorp); PubMed 8125475 (cited by Labcorp Genetics (formerly Invitae), Labcorp); PubMed 10923267 (cited by Laboratory of Diagnosis and Therapy of Lysosomal Disorders, University of Padova); PubMed 17643332 (cited by Laboratory of Diagnosis and Therapy of Lysosomal Disorders, University of Padova); PubMed 30118150 (cited by Laboratory of Diagnosis and Therapy of Lysosomal Disorders, University of Padova).

NM_000046.5(ARSB):c.237_243del (p.Val80fs)

Genes: ARSB (arylsulfatase B; minus strand), LOC129994126 (ATAC-STARR-seq lymphoblastoid silent region 16127; plus strand). Cytogenetic location: 5q14.1.
Variant type: Deletion.
Coding change: c.237_243del on transcript NM_000046.5 (MANE Select); coding-DNA positions 237 to 243, 7 bases deleted (GGTGCTC; older notation c.237_243delGGTGCTC).
Protein change: p.Val80fs; shifts the reading frame from valine 80.
Molecular consequence: frameshift variant.
Genome position (GRCh38, 1-based): chr5:78,985,006-78,985,012, GAGCACC deleted on the plus strand (GGTGCTC on the coding strand, the reverse complement: ARSB is on the minus strand). VCF-style (leftmost placement, unchanged base first): chr5-78985005-GGAGCACC-G. GRCh37 (hg19) VCF-style: chr5-78280828-GGAGCACC-G.
Other names: c.237_243del, p.Val80fs (NM_198709.3); short protein forms V80fs.
Identifiers: ClinVar variation 559744 (VCV000559744.7), dbSNP rs1554032134, ClinGen allele CA658822940.